The following is an entry in ClinVar:

ClinVar aggregate classification (germline): Uncertain significance. Review status: criteria provided, multiple submitters, no conflicts (2 of 4 stars). 3 submissions from 3 submitters: Uncertain significance (2). 1 of the submissions does not count toward it. Last evaluated 2025-04-27.

Conditions:
Hereditary cancer-predisposing syndrome. Also called: Neoplastic Syndromes, Hereditary; Hereditary Cancer Syndrome; Tumor predisposition; Hereditary neoplastic syndrome. Identifiers: Orphanet 140162, MedGen C0027672, MeSH D009386, MONDO:0015356.
Lung cancer. Also called: Lung cancer, somatic; Malignant tumor of lung. Identifiers: MedGen C0242379, MONDO:0008903, OMIM 211980.
Neuroblastoma, susceptibility to, 3. Also called: ALK-Related Neuroblastic Tumor Susceptibility. Identifiers: Orphanet 635, MedGen C2751681, MONDO:0013083, OMIM 613014.

Allele frequency attached by ClinVar (database versions not stated): ExAC 0.00001; gnomAD 0.00001.
gnomAD v4.1: 3 of 1,613,644 alleles (0.00019%); highest among the groups gnomAD compares: African/African-American, 0.0013%; no homozygotes.

Submissions (3):

Labcorp Genetics (formerly Invitae), Labcorp
Classification: Uncertain significance for Neuroblastoma, susceptibility to, 3. Last evaluated: 2025-04-27. Review status: criteria provided, single submitter. Criteria: Invitae Variant Classification Sherloc (09022015). Collection method: clinical testing. Allele origin: germline.
Comment: This sequence change replaces aspartic acid, which is acidic and polar, with asparagine, which is neutral and polar, at codon 1203 of the ALK protein (p.Asp1203Asn). This variant is present in population databases (rs759845895, gnomAD 0.008%). This variant has not been reported in the literature in individuals affected with ALK-related conditions. ClinVar contains an entry for this variant (Variation ID: 1513564). An algorithm developed to predict the effect of missense changes on protein structure and function (PolyPhen-2) suggests that this variant is likely to be tolerated. In summary, the available evidence is currently insufficient to determine the role of this variant in disease. Therefore, it has been classified as a Variant of Uncertain Significance.

Ambry Genetics
Classification: Uncertain significance for Hereditary cancer-predisposing syndrome. Last evaluated: 2024-09-16. Review status: criteria provided, single submitter. Criteria: Ambry Variant Classification Scheme 2023. Collection method: clinical testing. Allele origin: germline.
Comment: The p.D1203N variant (also known as c.3607G>A), located in coding exon 23 of the ALK gene, results from a G to A substitution at nucleotide position 3607. The aspartic acid at codon 1203 is replaced by asparagine, an amino acid with highly similar properties. This amino acid position is highly conserved in available vertebrate species. In addition, this alteration is predicted to be tolerated by in silico analysis. Based on the available evidence, the clinical significance of this variant remains unclear.

Molekularpathologisches Zentrum, Universitaetsklinikum Heidelberg
Classification: Likely pathogenic for Lung cancer. Review status: no assertion criteria provided. Collection method: clinical testing. Allele origin: somatic. Inheritance: Somatic mutation. Affected: yes. Not counted in ClinVar's aggregate classification.

NM_004304.5(ALK):c.3607G>A (p.Asp1203Asn)

Gene: ALK (ALK receptor tyrosine kinase; minus strand). Cytogenetic location: 2p23.2.
Variant type: single nucleotide variant.
Coding change: c.3607G>A on transcript NM_004304.5 (MANE Select); coding-DNA position 3607, G replaced by A.
Protein change: p.Asp1203Asn; replaces aspartic acid 1203 with asparagine.
Molecular consequence: missense variant.
Genome position (GRCh38, 1-based): chr2:29,220,744, C>T on the plus strand (G>A on the coding strand, the complement: ALK is on the minus strand). VCF-style: chr2-29220744-C-T. GRCh37 (hg19) VCF-style: chr2-29443610-C-T.
Other names: c.403G>A, p.Asp135Asn (NM_001353765.2); c.3607G>A (NM_004304.4); short protein forms D1203N, D135N.
Identifiers: ClinVar variation 1513564 (VCV001513564.12), dbSNP rs759845895, ClinGen allele CA1593847.
Genomic context (GRCh38, chr2:29,220,744, plus strand): 5'-GCAAAGACTGGTTCTCACTCACCGGGCGAGGGCGGGTCTCTCGGAGGAAGGACTTGAGGT[C>T]TCCCCCCGCCATGAGCTCCAGCAGGATGAACCGGGGCAGGGATTGCAGGCTCACCCCAAT-3'
Protein context (NP_004295.2, residues 1193-1213): FILLELMAGG[Asp1203Asn]LKSFLRETRP